The following is an entry in ClinVar:

NM_000516.7(GNAS):c.1165C>T (p.Arg389Cys)

Gene: GNAS (GNAS complex locus; plus strand). Cytogenetic location: 20q13.32.
Variant type: single nucleotide variant.
Coding change: c.1165C>T on transcript NM_000516.7 (MANE Select); coding-DNA position 1165, C replaced by T.
Protein change: p.Arg389Cys; replaces arginine 389 with cysteine.
Molecular consequence: missense variant. On other transcripts: 3 prime UTR variant (2).
Genome position (GRCh38, 1-based): chr20:58,910,809, C>T. VCF-style: chr20-58910809-C-T. GRCh37 (hg19) VCF-style: chr20-57485864-C-T.
Other names: c.1168C>T, p.Arg390Cys (NM_001077488.5); c.1120C>T, p.Arg374Cys (NM_001077489.4); c.*1026C>T (NM_001077490.3); c.988C>T, p.Arg330Cys (NM_001309840.2, NM_001309861.2); c.1069C>T, p.Arg357Cys (NM_001410912.1); c.3049C>T, p.Arg1017Cys (NM_001410913.1); c.*1071C>T (NM_016592.5); c.3094C>T, p.Arg1032Cys (NM_080425.4); and 1 more; short protein forms R1017C, R1032C, R330C, R357C, R374C, R375C, R389C, R390C.
Identifiers: ClinVar variation 2576690 (VCV002576690.1), dbSNP rs2146306963, ClinGen allele CA409453971.

ClinVar aggregate classification (germline): Uncertain significance (1 of 4 stars; one submission).

Submission:

GeneDx
Classification: Uncertain significance. Last evaluated: 2023-02-01. Review status: criteria provided, single submitter. Criteria: GeneDx Variant Classification Process June 2021. Collection method: clinical testing. Allele origin: germline. Affected: yes.
Comment: Not observed at significant frequency in large population cohorts (gnomAD); In silico analysis supports that this missense variant has a deleterious effect on protein structure/function; Has not been previously published as pathogenic or benign to our knowledge